The following is an entry in ClinVar:

ClinVar aggregate classification (germline): Benign/Likely benign. Review status: criteria provided, multiple submitters, no conflicts (2 of 4 stars). 9 submissions from 9 submitters: Benign (4); Likely benign (4). 1 of the submissions does not count toward it. Last evaluated 2026-02-01.

Conditions:
Hereditary spastic paraplegia. Also called: Familial spastic paraparesis. Identifiers: Orphanet 685, MedGen C0037773, MONDO:0019064. Disease mechanism: loss of function.
Hereditary spastic paraplegia 48. Also called: SPASTIC PARAPLEGIA 48, AUTOSOMAL RECESSIVE; Spastic paraplegia 48. Identifiers: Orphanet 306511, MedGen C3150901, MONDO:0013342, OMIM 613647.

Allele frequency attached by ClinVar (database versions not stated): 1000 Genomes Project 0.01238; 1000 Genomes Project 30x 0.01327; gnomAD 0.01379; TOPMed 0.01646; ESP Exome Variant Server 0.01736; ExAC 0.02124.
gnomAD v4.1: 33,560 of 1,609,480 alleles (2.1%); highest among the groups gnomAD compares: Middle Eastern, 4.9%; 449 homozygotes.

Submissions (9):

Labcorp Genetics (formerly Invitae), Labcorp
Classification: Benign for Hereditary spastic paraplegia 48. Last evaluated: 2026-02-01. Review status: criteria provided, single submitter. Criteria: Invitae Variant Classification Sherloc (09022015). Collection method: clinical testing. Allele origin: germline.

Blueprint Genetics
Classification: Likely benign. Last evaluated: 2024-11-26. Review status: criteria provided, single submitter. Criteria: ACMG Guidelines, 2015. Collection method: clinical testing. Allele origin: germline.

Athena Diagnostics
Classification: Benign. Last evaluated: 2024-02-20. Review status: criteria provided, single submitter. Criteria: Athena Diagnostics Criteria. Collection method: clinical testing. Allele origin: unknown.

Mayo Clinic Laboratories, Mayo Clinic
Classification: Benign. Last evaluated: 2022-05-26. Review status: criteria provided, single submitter. Criteria: ACMG Guidelines, 2015. Collection method: clinical testing. Allele origin: germline. Observed: 61 variant alleles.

Genome Diagnostics Laboratory, The Hospital for Sick Children
Classification: Benign for Hereditary spastic paraplegia. Last evaluated: 2021-10-09. Review status: criteria provided, single submitter. Criteria: ACMG Guidelines, 2015. Collection method: clinical testing. Allele origin: germline. Affected: yes.

GeneDx
Classification: Likely benign. Last evaluated: 2021-08-30. Review status: criteria provided, single submitter. Criteria: GeneDx Variant Classification Process June 2021. Collection method: clinical testing. Allele origin: germline. Affected: yes.

Illumina Laboratory Services, Illumina
Classification: Likely benign for Hereditary spastic paraplegia 48. Last evaluated: 2018-01-12. Review status: criteria provided, single submitter. Criteria: ICSL Variant Classification Criteria 13 December 2019. Collection method: clinical testing. Allele origin: germline.
Comment: This variant was observed in the ICSL laboratory as part of a predisposition screen in an ostensibly healthy population. It had not been previously curated by ICSL or reported in the Human Gene Mutation Database (HGMD: prior to June 1st, 2018), and was therefore a candidate for classification through an automated scoring system. Utilizing variant allele frequency, disease prevalence and penetrance estimates, and inheritance mode, an automated score was calculated to assess if this variant is too frequent to cause the disease. Based on the score and internal cut-off values, a variant classified as likely benign is not then subjected to further curation. The score for this variant resulted in a classification of likely benign for this disease.

Breakthrough Genomics
Classification: Likely benign. Review status: criteria provided, single submitter. Criteria: ACMG Guidelines, 2015. Collection method: not provided. Allele origin: germline. Inheritance: Autosomal recessive inheritance. Affected: yes.

Genetic Services Laboratory, University of Chicago
Classification: Likely benign for AllHighlyPenetrant. Review status: no assertion criteria provided. Collection method: clinical testing. Allele origin: germline. Inheritance: Autosomal recessive inheritance. Not counted in ClinVar's aggregate classification.
Comment: Likely benign based on allele frequency in 1000 Genomes Project or ESP global frequency and its presence in a patient with a rare or unrelated disease phenotype. NOT Sanger confirmed.

Literature cited by the submitters: PubMed 25333062 (cited by Athena Diagnostics).

NM_014855.3(AP5Z1):c.2379G>T (p.Thr793=)

Gene: AP5Z1 (adaptor related protein complex 5 subunit zeta 1; plus strand). Cytogenetic location: 7p22.1.
Variant type: single nucleotide variant.
Coding change: c.2379G>T on transcript NM_014855.3 (MANE Select); coding-DNA position 2379, G replaced by T.
Protein change: p.Thr793=; no amino-acid change (threonine 793 retained).
Molecular consequence: synonymous variant. On other transcripts: non-coding transcript variant (1).
Genome position (GRCh38, 1-based): chr7:4,791,340, G>T. VCF-style: chr7-4791340-G-T. GRCh37 (hg19) VCF-style: chr7-4830971-G-T.
Other names: p.Thr793=; c.2379G>T, p.Thr793= (LRG_1247t1); c.1911G>T, p.Thr637= (NM_001364858.1).
Identifiers: ClinVar variation 128412 (VCV000128412.28), dbSNP rs77393809, ClinGen allele CA151863.
Genomic context (GRCh38, chr7:4,791,340, plus strand): 5'-GGTGTGCAGCCCCCGCTATCACCGCGATGCCAACACGGCCCTGCCCCTGGCCCTGCGCAC[G>T]GTCAGCCGGCTGGTGGAGAGGGAGGCCGGCCTCATGCCAGGGTGAAGGGACAGTGGCCAG-3'
Protein context (NP_055670.1, residues 783-803): ANTALPLALR[Thr793=]VSRLVEREAG